The following is an entry in ClinVar:

NM_020738.4(KIDINS220):c.1302C>T (p.Asp434=)

Gene: KIDINS220 (kinase D interacting substrate 220; minus strand). Cytogenetic location: 2p25.1.
Variant type: single nucleotide variant.
Coding change: c.1302C>T on transcript NM_020738.4 (MANE Select); coding-DNA position 1302, C replaced by T.
Protein change: p.Asp434=; no amino-acid change (aspartic acid 434 retained).
Molecular consequence: synonymous variant. On other transcripts: non-coding transcript variant (2).
Genome position (GRCh38, 1-based): chr2:8,791,199, G>A on the plus strand (C>T on the coding strand, the complement: KIDINS220 is on the minus strand). VCF-style: chr2-8791199-G-A. GRCh37 (hg19) VCF-style: chr2-8931329-G-A.
Other names: c.1305C>T, p.Asp435= (NM_001348729.2, NM_001348731.2, NM_001348734.2 and 3 more transcripts); c.1302C>T, p.Asp434= (NM_001348732.2, NM_001348735.2, NM_001348738.2 and 3 more transcripts); c.1176C>T, p.Asp392= (NM_001348736.2); c.1302C>T (NM_020738.2).
Identifiers: ClinVar variation 1667986 (VCV001667986.10), dbSNP rs542165847, ClinGen allele CA1520209.
Genomic context (GRCh38, chr2:8,791,199, plus strand): 5'-AGGCTCACTGAGAATATCTGCCAGGGCACTGCTATATAAATCATATCCAAGCATGTCACC[G>A]TCTGTTTCAGTAGGAGACAAGTGTCCTGTAATTAAAACACATCATATCTTACATTAAACA-3'
Protein context (NP_065789.1, residues 424-444): GARHLSPTET[Asp434=]GDMLGYDLYS

ClinVar aggregate classification (germline): Likely benign. Review status: criteria provided, multiple submitters, no conflicts (2 of 4 stars). 3 submissions from 3 submitters: Likely benign (2). 1 of the submissions does not count toward it. Last evaluated 2025-06-12.

Conditions:
KIDINS220-related disorder. Also called: KIDINS220-related condition.

Allele frequency attached by ClinVar (database versions not stated): gnomAD 0.00003 and 0.00005; TOPMed 0.00005; gnomAD exomes 0.00008; ExAC 0.00010.
gnomAD v4.1: 54 of 1,613,462 alleles (0.0033%); highest among the groups gnomAD compares: East Asian, 0.027%; no homozygotes.

Submissions (3):

Labcorp Genetics (formerly Invitae), Labcorp
Classification: Likely benign. Last evaluated: 2025-06-12. Review status: criteria provided, single submitter. Criteria: Invitae Variant Classification Sherloc (09022015). Collection method: clinical testing. Allele origin: germline.

Blueprint Genetics
Classification: Likely benign. Last evaluated: 2024-03-01. Review status: criteria provided, single submitter. Criteria: ACMG Guidelines, 2015. Collection method: clinical testing. Allele origin: germline.

PreventionGenetics, part of Exact Sciences
Classification: Likely benign for KIDINS220-related condition. Last evaluated: 2024-08-12. Review status: no assertion criteria provided. Collection method: clinical testing. Allele origin: germline. Not counted in ClinVar's aggregate classification.
Comment: This variant is classified as likely benign based on ACMG/AMP sequence variant interpretation guidelines (Richards et al. 2015 PMID: 25741868, with internal and published modifications).